The following is an entry in ClinVar:

NM_002291.3(LAMB1):c.1522C>T (p.Arg508Ter)

Gene: LAMB1 (laminin subunit beta 1; minus strand). Cytogenetic location: 7q31.1.
Variant type: single nucleotide variant.
Coding change: c.1522C>T on transcript NM_002291.3 (MANE Select); coding-DNA position 1522, C replaced by T.
Protein change: p.Arg508Ter; replaces arginine 508 with a stop codon.
Molecular consequence: nonsense.
Genome position (GRCh38, 1-based): chr7:107,973,032, G>A on the plus strand (C>T on the coding strand, the complement: LAMB1 is on the minus strand). VCF-style: chr7-107973032-G-A. GRCh37 (hg19) VCF-style: chr7-107613477-G-A.
Other names: short protein forms R508*.
Identifiers: ClinVar variation 2726734 (VCV002726734.3), dbSNP rs2535480497, ClinGen allele CA368875048.

ClinVar aggregate classification (germline): Pathogenic (1 of 4 stars; one submission).

Allele frequency attached by ClinVar (database versions not stated): gnomAD exomes below 0.00001.
gnomAD v4.1: 3 of 1,613,980 alleles (0.00019%); highest among the groups gnomAD compares: African/African-American, 0.0013%; no homozygotes.

Submission:

Labcorp Genetics (formerly Invitae), Labcorp
Classification: Pathogenic. Last evaluated: 2025-06-12. Review status: criteria provided, single submitter. Criteria: Invitae Variant Classification Sherloc (09022015). Collection method: clinical testing. Allele origin: germline.
Comment: This sequence change creates a premature translational stop signal (p.Arg508*) in the LAMB1 gene. It is expected to result in an absent or disrupted protein product. Loss-of-function variants in LAMB1 are known to be pathogenic (PMID: 23472759, 25925986). This variant is not present in population databases (gnomAD no frequency). This variant has not been reported in the literature in individuals affected with LAMB1-related conditions. ClinVar contains an entry for this variant (Variation ID: 2726734). For these reasons, this variant has been classified as Pathogenic.

Literature cited by the submitters: PubMed 23472759; PubMed 25925986.